The following is an entry in ClinVar:

ClinVar aggregate classification (germline): Uncertain significance (1 of 4 stars; one submission).

Submission:

GeneDx
Classification: Uncertain significance. Last evaluated: 2026-01-31. Review status: criteria provided, single submitter. Criteria: GeneDx Variant Classification Process June 2021. Collection method: clinical testing. Allele origin: germline.
Comment: Not observed at significant frequency in large population cohorts (gnomAD); In silico analysis supports that this missense variant has a deleterious effect on protein structure/function; Has not been previously published as pathogenic or benign to our knowledge

NM_015001.3(SPEN):c.8389C>G (p.Pro2797Ala)

Gene: SPEN (spen family transcriptional repressor; plus strand). Cytogenetic location: 1p36.13.
Variant type: single nucleotide variant.
Coding change: c.8389C>G on transcript NM_015001.3 (MANE Select); coding-DNA position 8389, C replaced by G.
Protein change: p.Pro2797Ala; replaces proline 2797 with alanine.
Molecular consequence: missense variant.
Genome position (GRCh38, 1-based): chr1:15,934,629, C>G. VCF-style: chr1-15934629-C-G. GRCh37 (hg19) VCF-style: chr1-16261124-C-G.
Other names: short protein forms P2797A.
Identifiers: ClinVar variation 4975967 (VCV004975967.1).